The following is an entry in ClinVar:

ClinVar aggregate classification (germline): Uncertain significance (1 of 4 stars; one submission).

Conditions:
EP300-related disorder. Also called: EP300-related condition; EP300-related disorders.

Submission:

PreventionGenetics, part of Exact Sciences
Classification: Uncertain significance for EP300-related condition. Last evaluated: 2025-08-28. Review status: criteria provided, single submitter. Criteria: ACMG Guidelines, 2015. Collection method: clinical testing. Allele origin: germline.
Comment: The EP300 c.3133A>C variant is predicted to result in the amino acid substitution p.Lys1045Gln. To our knowledge, this variant has not been reported in the literature or in a large population database (gnomAD), indicating this variant is rare. At this time, the clinical significance of this variant is uncertain due to the absence of conclusive functional and genetic evidence.

NM_001429.4(EP300):c.3133A>C (p.Lys1045Gln)

Genes: EP300 (EP300 lysine acetyltransferase; plus strand), LOC126863158 (BRD4-independent group 4 enhancer GRCh37_chr22:41547383-41548582; plus strand). Cytogenetic location: 22q13.2.
Variant type: single nucleotide variant.
Coding change: c.3133A>C on transcript NM_001429.4 (MANE Select); coding-DNA position 3133, A replaced by C.
Protein change: p.Lys1045Gln; replaces lysine 1045 with glutamine.
Molecular consequence: missense variant.
Genome position (GRCh38, 1-based): chr22:41,152,341, A>C. VCF-style: chr22-41152341-A-C. GRCh37 (hg19) VCF-style: chr22-41548345-A-C.
Other names: c.3055A>C, p.Lys1019Gln (NM_001362843.2); short protein forms K1019Q, K1045Q.
Identifiers: ClinVar variation 4993540 (VCV004993540.1).